The following is an entry in ClinVar:

ClinVar aggregate classification (germline): Uncertain significance. Review status: criteria provided, multiple submitters, no conflicts (2 of 4 stars). 2 submissions from 2 submitters: Uncertain significance (2). Last evaluated 2026-07-07.

Conditions:
Oligodontia-cancer predisposition syndrome. Also called: TOOTH AGENESIS-COLORECTAL CANCER SYNDROME. Identifiers: Orphanet 300576, MedGen C1837750, MONDO:0012075, OMIM 608615. Disease mechanism: loss of function.
Hereditary cancer-predisposing syndrome. Also called: Tumor predisposition; Hereditary neoplastic syndrome; Hereditary Cancer Syndrome; Neoplastic Syndromes, Hereditary. Identifiers: Orphanet 140162, MedGen C0027672, MeSH D009386, MONDO:0015356.

Submissions (2):

Ambry Genetics
Classification: Uncertain significance for Hereditary cancer-predisposing syndrome. Last evaluated: 2026-07-07. Review status: criteria provided, single submitter. Criteria: Ambry Variant Classification Scheme 2023. Collection method: clinical testing. Allele origin: germline.
Comment: The p.N800S variant (also known as c.2399A>G), located in coding exon 9 of the AXIN2 gene, results from an A to G substitution at nucleotide position 2399. The asparagine at codon 800 is replaced by serine, an amino acid with highly similar properties. This amino acid position is conserved. In addition, this alteration is predicted to be tolerated by in silico analysis. Based on the available evidence, the clinical significance of this variant remains unclear.

Labcorp Genetics (formerly Invitae), Labcorp
Classification: Uncertain significance for Oligodontia-cancer predisposition syndrome. Last evaluated: 2025-10-30. Review status: criteria provided, single submitter. Criteria: Invitae Variant Classification Sherloc (09022015). Collection method: clinical testing. Allele origin: germline.
Comment: This sequence change replaces asparagine, which is neutral and polar, with serine, which is neutral and polar, at codon 800 of the AXIN2 protein (p.Asn800Ser). This variant is not present in population databases (gnomAD no frequency). This variant has not been reported in the literature in individuals affected with AXIN2-related conditions. ClinVar contains an entry for this variant (Variation ID: 3683612). Invitae Evidence Modeling of protein sequence and biophysical properties (such as structural, functional, and spatial information, amino acid conservation, physicochemical variation, residue mobility, and thermodynamic stability) indicates that this missense variant is not expected to disrupt AXIN2 protein function with a negative predictive value of 80%. In summary, the available evidence is currently insufficient to determine the role of this variant in disease. Therefore, it has been classified as a Variant of Uncertain Significance.

NM_004655.4(AXIN2):c.2399A>G (p.Asn800Ser)

Gene: AXIN2 (axin 2; minus strand). Cytogenetic location: 17q24.1.
Variant type: single nucleotide variant.
Coding change: c.2399A>G on transcript NM_004655.4 (MANE Select); coding-DNA position 2399, A replaced by G.
Protein change: p.Asn800Ser; replaces asparagine 800 with serine.
Molecular consequence: missense variant.
Genome position (GRCh38, 1-based): chr17:65,533,918, T>C on the plus strand (A>G on the coding strand, the complement: AXIN2 is on the minus strand). VCF-style: chr17-65533918-T-C. GRCh37 (hg19) VCF-style: chr17-63530036-T-C.
Other names: c.2204A>G, p.Asn735Ser (NM_001363813.1); short protein forms N735S, N800S.
Identifiers: ClinVar variation 3683612 (VCV003683612.3).